The following is an entry in ClinVar:

ClinVar aggregate classification (germline): Uncertain significance (1 of 4 stars; one submission).

Conditions:
Hermansky-Pudlak syndrome 2 (HPS2). Also called: Platelet defects and oculocutaneous albinism. Identifiers: Orphanet 183678, Orphanet 79430, MedGen C1842362, MONDO:0011997, OMIM 608233.

gnomAD v4.1: 6 of 1,612,518 alleles (0.00037%); highest among the groups gnomAD compares: Non-Finnish European, 0.00051%; no homozygotes.

Submission:

Labcorp Genetics (formerly Invitae), Labcorp
Classification: Uncertain significance for Hermansky-Pudlak syndrome 2. Last evaluated: 2024-05-02. Review status: criteria provided, single submitter. Criteria: Invitae Variant Classification Sherloc (09022015). Collection method: clinical testing. Allele origin: germline.
Comment: This sequence change replaces glutamine, which is neutral and polar, with arginine, which is basic and polar, at codon 363 of the AP3B1 protein (p.Gln363Arg). This variant is present in population databases (no rsID available, gnomAD 0.007%). This variant has not been reported in the literature in individuals affected with AP3B1-related conditions. An algorithm developed to predict the effect of missense changes on protein structure and function (PolyPhen-2) suggests that this variant is likely to be tolerated. In summary, the available evidence is currently insufficient to determine the role of this variant in disease. Therefore, it has been classified as a Variant of Uncertain Significance.

NM_003664.5(AP3B1):c.1088A>G (p.Gln363Arg)

Gene: AP3B1 (adaptor related protein complex 3 subunit beta 1; minus strand). Cytogenetic location: 5q14.1.
Variant type: single nucleotide variant.
Coding change: c.1088A>G on transcript NM_003664.5 (MANE Select); coding-DNA position 1088, A replaced by G.
Protein change: p.Gln363Arg; replaces glutamine 363 with arginine.
Molecular consequence: missense variant.
Genome position (GRCh38, 1-based): chr5:78,175,791, T>C on the plus strand (A>G on the coding strand, the complement: AP3B1 is on the minus strand). VCF-style: chr5-78175791-T-C. GRCh37 (hg19) VCF-style: chr5-77471615-T-C.
Other names: c.941A>G, p.Gln314Arg (NM_001271769.2); c.1088A>G, p.Gln363Arg (NM_001410752.1); short protein forms Q314R, Q363R.
Identifiers: ClinVar variation 3685718 (VCV003685718.2).